The following is an entry in ClinVar:

ClinVar aggregate classification (germline): Pathogenic (1 of 4 stars; one submission).

Conditions:
Fabry disease. Also called: ALPHA-GALACTOSIDASE A DEFICIENCY; ANDERSON-FABRY DISEASE; CERAMIDE TRIHEXOSIDASE DEFICIENCY; GLA DEFICIENCY; HEREDITARY DYSTOPIC LIPIDOSIS; Angiokeratoma corporis diffusum. Identifiers: Orphanet 324, MedGen C0002986, MONDO:0010526, OMIM 301500, HP:0001071. Disease mechanism: Fabry disease is due to inactivating mutations in the X-linked GLA gene resulting in deficiency of the enzyme Alpha Galactosidase-A., loss of function.

Submission:

Genomenon, Inc
Classification: Pathogenic for Fabry disease. Last evaluated: 2026-09-08. Review status: criteria provided, single submitter. Criteria: Genomenon Sequence Variant Interpretation Standards - Updated. Collection method: curation. Allele origin: germline. Affected: yes.
Comment: GLA p.Asp136His (c.406G>C) is a missense variant that changes the amino acid at codon 136 from Aspartic acid to Histidine. This variant has been observed in at least one proband with clinical features consistent with Fabry disease (PMID:11322659). At least one functional study has demonstrated a substantial alteration in protein function relative to the wild-type (PMID:27657681). This variant is located in a mutational hotspot and/or important functional domain. It is absent or not present at a significant frequency in gnomAD. In silico models predict that this variant is possibly or probably damaging. In conclusion, we classify GLA p.Asp136His (c.406G>C) as a pathogenic variant.

Literature cited by the submitters: PubMed 11322659; PubMed 27657681.

NM_000169.3(GLA):c.406G>C (p.Asp136His)

Genes: GLA (galactosidase alpha; minus strand), RPL36A-HNRNPH2 (RPL36A-HNRNPH2 readthrough; plus strand). Cytogenetic location: Xq22.1.
Variant type: single nucleotide variant.
Coding change: c.406G>C on transcript NM_000169.3 (MANE Select); coding-DNA position 406, G replaced by C.
Protein change: p.Asp136His; replaces aspartic acid 136 with histidine.
Molecular consequence: missense variant. On other transcripts: non-coding transcript variant (3), intron variant (2).
Genome position (GRCh38, 1-based): chrX:101,401,773, C>G on the plus strand (G>C on the coding strand, the complement: GLA is on the minus strand). VCF-style: chrX-101401773-C-G. GRCh37 (hg19) VCF-style: chrX-100656761-C-G.
Other names: c.529G>C, p.Asp177His (NM_001406747.1, NM_001406749.1); c.406G>C, p.Asp136His (NM_001406748.1); c.300+6316C>G (NM_001199973.2); c.177+9951C>G (NM_001199974.2); short protein forms D136H, D177H.
Identifiers: ClinVar variation 4087364 (VCV004087364.2).